The following is an entry in ClinVar:

ClinVar aggregate classification (germline): Uncertain significance. Review status: criteria provided, multiple submitters, no conflicts (2 of 4 stars). 4 submissions from 4 submitters: Uncertain significance (4). Last evaluated 2023-02-10.

Conditions:
Structural heart defects and renal anomalies syndrome (SHDRA). Identifiers: Orphanet 689822, MedGen C4479549, MONDO:0044321, OMIM 617478.
Inborn genetic diseases. Identifiers: MedGen C0950123, MeSH D030342.

Allele frequency attached by ClinVar (database versions not stated): ESP Exome Variant Server 0.00031.

Submissions (4):

Baylor Genetics
Classification: Uncertain significance for Structural heart defects and renal anomalies syndrome. Last evaluated: 2023-02-10. Review status: criteria provided, single submitter. Criteria: ACMG Guidelines, 2015. Collection method: clinical testing. Allele origin: unknown.

GeneDx
Classification: Uncertain significance. Last evaluated: 2022-06-03. Review status: criteria provided, single submitter. Criteria: GeneDx Variant Classification Process June 2021. Collection method: clinical testing. Allele origin: germline. Affected: yes.
Comment: In silico analysis supports that this missense variant has a deleterious effect on protein structure/function; Has not been previously published as pathogenic or benign to our knowledge

Ambry Genetics
Classification: Uncertain significance for Inborn genetic diseases. Last evaluated: 2021-12-17. Review status: criteria provided, single submitter. Criteria: Ambry Variant Classification Scheme 2023. Collection method: clinical testing. Allele origin: germline.

CeGaT Center for Human Genetics Tuebingen
Classification: Uncertain significance. Last evaluated: 2021-03-01. Review status: criteria provided, single submitter. Criteria: CeGaT Center For Human Genetics Tuebingen Variant Classification Criteria Version 2. Collection method: clinical testing. Allele origin: germline. Affected: yes. Observed: 2 variant alleles.

NM_017799.4(TMEM260):c.400C>T (p.Arg134Cys)

Gene: TMEM260 (transmembrane protein 260; plus strand). Cytogenetic location: 14q22.3.
Variant type: single nucleotide variant.
Coding change: c.400C>T on transcript NM_017799.4 (MANE Select); coding-DNA position 400, C replaced by T.
Protein change: p.Arg134Cys; replaces arginine 134 with cysteine.
Molecular consequence: missense variant.
Genome position (GRCh38, 1-based): chr14:56,603,870, C>T. VCF-style: chr14-56603870-C-T. GRCh37 (hg19) VCF-style: chr14-57070588-C-T.
Other names: short protein forms R134C.
Identifiers: ClinVar variation 1175853 (VCV001175853.40), dbSNP rs149705965, ClinGen allele CA7199730.